The following is an entry in ClinVar:

ClinVar aggregate classification (germline): Likely pathogenic. Review status: criteria provided, multiple submitters, no conflicts (2 of 4 stars). 2 submissions from 2 submitters: Likely pathogenic (2). Last evaluated 2025-06-15.

Conditions:
Intellectual developmental disorder, X-linked, syndromic, Claes-Jensen type. Also called: INTELLECTUAL DEVELOPMENTAL DISORDER, X-LINKED, SYNDROMIC 16; MENTAL RETARDATION, X-LINKED, SYNDROMIC 16; Syndromic X-linked intellectual disability Claes-Jensen type. Identifiers: Orphanet 85279, MedGen C1845243, MONDO:0010355, OMIM 300534.

Submissions (2):

GeneDx
Classification: Likely pathogenic. Last evaluated: 2025-06-15. Review status: criteria provided, single submitter. Criteria: GeneDx Variant Classification Process June 2021. Collection method: clinical testing. Allele origin: germline. Affected: yes.
Comment: Not observed at significant frequency in large population cohorts (gnomAD); In silico analysis supports that this missense variant has a deleterious effect on protein structure/function; Has not been previously published as pathogenic or benign to our knowledge

Victorian Clinical Genetics Services, Murdoch Childrens Research Institute
Classification: Likely pathogenic for Intellectual developmental disorder, X-linked, syndromic, Claes-Jensen type. Last evaluated: 2024-10-08. Review status: criteria provided, single submitter. Criteria: ACMG Guidelines, 2015. Collection method: clinical testing. Allele origin: germline. Inheritance: X-linked recessive inheritance. Affected: yes.
Comment: Based on the classification scheme VCGS_Germline_v1.3.4, this variant is classified as Likely pathogenic. Following criteria are met: 0102 - Loss of function is a known mechanism of disease in this gene and is associated with intellectual developmental disorder, X-linked syndromic, Claes-Jensen type (MIM#300534). (I) 0109 - This gene is associated with X-linked recessive disease. However, mildly affected heterozygous females have been reported (OMIM). (I) 0115 - Variants in this gene are known to have variable expressivity, where intrafamilial and interfamilial variability have been reported (PMID: 16541399). (I) 0200 - Variant is predicted to result in a missense amino acid change from glycine to glutamic acid. (I) 0253 - This variant is hemizygous. (I) 0301 - Variant is absent from gnomAD (both v2 and v3). (SP) 0502 - Missense variant with conflicting in silico predictions and very high conservation. (I) 0603 - Missense variant in a region that is highly intolerant to missense variation (high constraint region in DECIPHER). (SP) 0704 - Another missense variant comparable to the one identified in this case has limited previous evidence for pathogenicity. An alternative change, p.(Gly536Arg), has been reported as likely pathogenic in a de novo individual by a clinical laboratory (ClinVar). (SP) 0807 - This variant has no previous evidence of pathogenicity. (I) 0905 - No published segregation evidence has been identified for this variant. (I) 1007 - No published functional evidence has been identified for this variant. (SP) Legend: (SP) - Supporting pathogenic, (I) - Information, (SB) - Supporting benign

Literature cited by the submitters: PubMed 16541399 (cited by Victorian Clinical Genetics Services, Murdoch Childrens Research Institute).

NM_004187.5(KDM5C):c.1607G>A (p.Gly536Glu)

Gene: KDM5C (lysine demethylase 5C; minus strand). Cytogenetic location: Xp11.22.
Variant type: single nucleotide variant.
Coding change: c.1607G>A on transcript NM_004187.5 (MANE Select); coding-DNA position 1607, G replaced by A.
Protein change: p.Gly536Glu; replaces glycine 536 with glutamic acid.
Molecular consequence: missense variant. On other transcripts: non-coding transcript variant (3).
Genome position (GRCh38, 1-based): chrX:53,210,553, C>T on the plus strand (G>A on the coding strand, the complement: KDM5C is on the minus strand). VCF-style: chrX-53210553-C-T. GRCh37 (hg19) VCF-style: chrX-53239735-C-T.
Other names: c.1607G>A (NM_004187.2); c.1406G>A, p.Gly469Glu (NM_001146702.2); c.1604G>A, p.Gly535Glu (NM_001282622.3, NM_001353979.2, NM_001353982.2); c.1607G>A, p.Gly536Glu (NM_001353978.3, NM_001353981.2, NM_001353984.2); short protein forms G469E, G535E, G536E.
Identifiers: ClinVar variation 3377331 (VCV003377331.2).
Genomic context (GRCh38, chrX:53,210,553, plus strand): 5'-AGTTCAGGTGTCAGCTTCTTCATCACTTCTTCCAAATGTTCTGCTGCAAGTGAGGGCACC[C>T]CATACCAGGTCTTCGGCTCACCCCTGCACAAGTGGAAAAGGGACACACACAGTAAATCAC-3'
Protein context (NP_004178.2, residues 526-546): LHWGEPKTWY[Gly536Glu]VPSLAAEHLE